The following is an entry in ClinVar:

NM_018060.4(IARS2):c.890G>A (p.Trp297Ter)

Gene: IARS2 (isoleucyl-tRNA synthetase 2, mitochondrial; plus strand). Cytogenetic location: 1q41.
Variant type: single nucleotide variant.
Coding change: c.890G>A on transcript NM_018060.4 (MANE Select); coding-DNA position 890, G replaced by A.
Protein change: p.Trp297Ter; replaces tryptophan 297 with a stop codon.
Molecular consequence: nonsense.
Genome position (GRCh38, 1-based): chr1:220,102,717, G>A. VCF-style: chr1-220102717-G-A. GRCh37 (hg19) VCF-style: chr1-220276059-G-A.
Other names: short protein forms W297*.
Identifiers: ClinVar variation 4813835 (VCV004813835.1).
Genomic context (GRCh38, chr1:220,102,717, plus strand): 5'-GCTAACATATTTACAATTGTATTTTCACAGATGGTTCATCTCCTGTTAGTATTTTGGTCT[G>A]GACCACACAACCTTGGACGATTCCAGCCAATGAAGCTGTTTGCTATATGCCTGAATCAAA-3'

ClinVar aggregate classification (germline): Likely pathogenic (1 of 4 stars; one submission).

Conditions:
Cataract-growth hormone deficiency-sensory neuropathy-sensorineural hearing loss-skeletal dysplasia syndrome. Also called: Cataracts, growth hormone deficiency, sensory neuropathy, sensorineural hearing loss, and skeletal dysplasia. Identifiers: Orphanet 436174, MedGen C4014942, MONDO:0014455, OMIM 616007.

Submission:

Variantyx, Inc.
Classification: Likely pathogenic for Cataract-growth hormone deficiency-sensory neuropathy-sensorineural hearing loss-skeletal dysplasia syndrome. Last evaluated: 2025-04-03. Review status: criteria provided, single submitter. Criteria: Variantyx Assertion Criteria 2022. Collection method: clinical testing. Allele origin: germline. Inheritance: Autosomal recessive inheritance.
Comment: This is a nonsense variant in the IARS2 gene (OMIM: 612801). Pathogenic variants in this gene have been associated with autosomal recessive cataracts, growth hormone deficiency, sensory neuropathy, sensorineural hearing loss, and skeletal dysplasia (CAGSSS). This variant introduces a premature termination codon in exon 7 out of 23 and is expected to result in loss of function, which is a known disease mechanism for IARS2 in this disorder (PMID: 33327715) (PVS1). This variant has a 0.0023% maximum allele frequency in non-founder control populations (PM2). Inter- and intrafamilial clinical variability has been described for autosomal recessive cataracts, growth hormone deficiency, sensory neuropathy, sensorineural hearing loss, and skeletal dysplasia (CAGSSS) (PMID: 30419932). Based on the current evidence, this variant is classified as likely pathogenic for autosomal recessive cataracts, growth hormone deficiency, sensory neuropathy, sensorineural hearing loss, and skeletal dysplasia (CAGSSS).

Literature cited by the submitters: PubMed 33327715.